The following is an entry in ClinVar:

ClinVar aggregate classification (germline): Conflicting classifications of pathogenicity. Review status: criteria provided, conflicting classifications (1 of 4 stars). 2 submissions from 2 submitters: Uncertain significance (1); Likely benign (1). Last evaluated 2024-01-10.

Conditions:
Nemaline myopathy 6 (NEM6). Also called: Nemaline myopathy 6, autosomal dominant. Identifiers: Orphanet 171439, MedGen C1836472, MONDO:0012237, OMIM 609273.

Allele frequency attached by ClinVar (database versions not stated): gnomAD exomes 0.00001; TOPMed 0.00002.
gnomAD v4.1: 15 of 1,556,450 alleles (0.00096%); highest among the groups gnomAD compares: Non-Finnish European, 0.001%; no homozygotes.

Submissions (2):

Labcorp Genetics (formerly Invitae), Labcorp
Classification: Uncertain significance for Nemaline myopathy 6. Last evaluated: 2024-01-10. Review status: criteria provided, single submitter. Criteria: Invitae Variant Classification Sherloc (09022015). Collection method: clinical testing. Allele origin: germline.
Comment: This sequence change affects codon 9 of the KBTBD13 mRNA. It is a 'silent' change, meaning that it does not change the encoded amino acid sequence of the KBTBD13 protein. This variant is not present in population databases (gnomAD no frequency). This variant has not been reported in the literature in individuals affected with KBTBD13-related conditions. ClinVar contains an entry for this variant (Variation ID: 2645454). In summary, the available evidence is currently insufficient to determine the role of this variant in disease. Therefore, it has been classified as a Variant of Uncertain Significance.

CeGaT Center for Human Genetics Tuebingen
Classification: Likely benign. Last evaluated: 2022-10-01. Review status: criteria provided, single submitter. Criteria: CeGaT Center For Human Genetics Tuebingen Variant Classification Criteria Version 2. Collection method: clinical testing. Allele origin: germline. Affected: yes. Observed: 1 variant allele.
Comment: KBTBD13: BP4, BP7

NM_001101362.3(KBTBD13):c.27G>A (p.Val9=)

Gene: KBTBD13 (kelch repeat and BTB domain containing 13; plus strand). Cytogenetic location: 15q22.31.
Variant type: single nucleotide variant.
Coding change: c.27G>A on transcript NM_001101362.3 (MANE Select); coding-DNA position 27, G replaced by A.
Protein change: p.Val9=; no amino-acid change (valine 9 retained).
Molecular consequence: synonymous variant.
Genome position (GRCh38, 1-based): chr15:65,076,842, G>A. VCF-style: chr15-65076842-G-A. GRCh37 (hg19) VCF-style: chr15-65369180-G-A.
Identifiers: ClinVar variation 2645454 (VCV002645454.27), dbSNP rs753616960, ClinGen allele CA7613840.